The following is an entry in ClinVar:

ClinVar aggregate classification (germline): Pathogenic (1 of 4 stars; one submission).

Conditions:
Retinoblastoma (RB1). Also called: RETINOBLASTOMA, SOMATIC. Identifiers: Orphanet 790, MedGen C0035335, MeSH D012175, MONDO:0008380, OMIM 180200, HP:0009919. Disease mechanism: loss of function. Inheritance: Both sporadic and heritable forms are tested..

Submission:

Genetic Diagnostic Laboratory, University of Pennsylvania School of Medicine
Classification: Pathogenic for Retinoblastoma. Last evaluated: 2024-05-20. Review status: criteria provided, single submitter. Criteria: ACMG Guidelines, 2015. Collection method: clinical testing. Allele origin: germline. Affected: yes. Observed: 1 variant allele.
Comment: Case and Pedigree Information: BILATERAL CASES:1, UNILATERAL CASES:0, TOTAL CASES:1, PEDIGREES:1. ACMG Codes Applied:PVS1, PM2

NM_000321.3(RB1):c.526C>T (p.Gln176Ter)

Gene: RB1 (RB transcriptional corepressor 1; plus strand). Cytogenetic location: 13q14.2.
Variant type: single nucleotide variant.
Coding change: c.526C>T on transcript NM_000321.3 (MANE Select); coding-DNA position 526, C replaced by T.
Protein change: p.Gln176Ter; replaces glutamine 176 with a stop codon.
Molecular consequence: nonsense.
Genome position (GRCh38, 1-based): chr13:48,347,850, C>T. VCF-style: chr13-48347850-C-T. GRCh37 (hg19) VCF-style: chr13-48921986-C-T.
Other names: c.526C>T, p.Gln176Ter (NM_001407165.1, NM_001407166.1); short protein forms Q176*.
Identifiers: ClinVar variation 3237134 (VCV003237134.1), dbSNP rs2138091656.